The following is an entry in ClinVar:

ClinVar aggregate classification (germline): Uncertain significance (1 of 4 stars; one submission).

Allele frequency attached by ClinVar (database versions not stated): gnomAD exomes below 0.00001; 1000 Genomes Project 30x 0.00016; 1000 Genomes Project 0.00020.

Submission:

Athena Diagnostics
Classification: Uncertain significance. Last evaluated: 2023-03-28. Review status: criteria provided, single submitter. Criteria: Athena Diagnostics Criteria. Collection method: clinical testing. Allele origin: unknown.
Comment: Available data are insufficient to determine the clinical significance of the variant at this time. The frequency of this variant in the general population is uninformative in assessment of its pathogenicity. Computational tools predict that this variant is not damaging.

NM_014053.4(FLVCR1):c.88C>T (p.Pro30Ser)

Genes: FLVCR1 (FLVCR choline and heme transporter 1; plus strand), LOC129932486 (ATAC-STARR-seq lymphoblastoid silent region 1807; plus strand). Cytogenetic location: 1q32.3.
Variant type: single nucleotide variant.
Coding change: c.88C>T on transcript NM_014053.4 (MANE Select); coding-DNA position 88, C replaced by T.
Protein change: p.Pro30Ser; replaces proline 30 with serine.
Molecular consequence: missense variant.
Genome position (GRCh38, 1-based): chr1:212,858,540, C>T. VCF-style: chr1-212858540-C-T. GRCh37 (hg19) VCF-style: chr1-213031882-C-T.
Other names: short protein forms P30S.
Identifiers: ClinVar variation 2684197 (VCV002684197.1), dbSNP rs529365517, ClinGen allele CA36896450.